The following is an entry in ClinVar:

ClinVar aggregate classification (germline): Likely benign. Review status: criteria provided, multiple submitters, no conflicts (2 of 4 stars). 2 submissions from 2 submitters: Likely benign (2). Last evaluated 2025-02-10.

Conditions:
PEX6-related disorder. Also called: PEX6-related disorders; PEX6-related condition.
Peroxisome biogenesis disorder. Identifiers: Orphanet 79189, MedGen C1832200, MONDO:0019234. Disease mechanism: loss of function.

Allele frequency attached by ClinVar (database versions not stated): gnomAD 0.00002; TOPMed 0.00002.
gnomAD v4.1: 3 of 1,614,026 alleles (0.00019%); highest among the groups gnomAD compares: African/African-American, 0.004%; no homozygotes.

Submissions (2):

Labcorp Genetics (formerly Invitae), Labcorp
Classification: Likely benign for Peroxisome biogenesis disorder. Last evaluated: 2025-02-10. Review status: criteria provided, single submitter. Criteria: Invitae Variant Classification Sherloc (09022015). Collection method: clinical testing. Allele origin: germline.

PreventionGenetics, part of Exact Sciences
Classification: Likely benign for PEX6-related condition. Last evaluated: 2025-01-10. Review status: criteria provided, single submitter. Criteria: ACMG Guidelines, 2015. Collection method: clinical testing. Allele origin: germline.
Comment: This variant is classified as likely benign based on ACMG/AMP sequence variant interpretation guidelines (Richards et al. 2015 PMID: 25741868, with internal and published modifications).

NM_000287.4(PEX6):c.1962-5T>G

Gene: PEX6 (peroxisomal biogenesis factor 6; minus strand). Cytogenetic location: 6p21.1.
Variant type: single nucleotide variant.
Coding change: c.1962-5T>G on transcript NM_000287.4 (MANE Select); 5 bases into the intron before coding-DNA position 1962, T replaced by G.
Molecular consequence: intron variant.
Genome position (GRCh38, 1-based): chr6:42,966,662, A>C on the plus strand (T>G on the coding strand, the complement: PEX6 is on the minus strand). VCF-style: chr6-42966662-A-C. GRCh37 (hg19) VCF-style: chr6-42934400-A-C.
Other names: c.1698-5T>G (NM_001316313.2); c.1962-5T>G (NM_000287.3).
Identifiers: ClinVar variation 2033875 (VCV002033875.5), dbSNP rs959913766, ClinGen allele CA138223537.